The following is an entry in ClinVar:

ClinVar aggregate classification (germline): Uncertain significance. Review status: criteria provided, multiple submitters, no conflicts (2 of 4 stars). 2 submissions from 2 submitters: Uncertain significance (2). Last evaluated 2022-07-12.

Conditions:
Inborn genetic diseases. Identifiers: MedGen C0950123, MeSH D030342.
Mosaic variegated aneuploidy syndrome 1 (MVA1). Also called: Warburton-Anyane-Yeboa syndrome. Identifiers: Orphanet 1052, MedGen C1850343, MONDO:0009759, OMIM 257300.

Allele frequency attached by ClinVar (database versions not stated): gnomAD exomes below 0.00001.
gnomAD v4.1: 3 of 1,614,036 alleles (0.00019%); highest among the groups gnomAD compares: Admixed American, 0.0017%; no homozygotes.

Submissions (2):

Labcorp Genetics (formerly Invitae), Labcorp
Classification: Uncertain significance for Mosaic variegated aneuploidy syndrome 1. Last evaluated: 2022-07-12. Review status: criteria provided, single submitter. Criteria: Invitae Variant Classification Sherloc (09022015). Collection method: clinical testing. Allele origin: germline.
Comment: This sequence change replaces lysine, which is basic and polar, with arginine, which is basic and polar, at codon 422 of the BUB1B protein (p.Lys422Arg). This variant is not present in population databases (gnomAD no frequency). This variant has not been reported in the literature in individuals affected with BUB1B-related conditions. Algorithms developed to predict the effect of missense changes on protein structure and function are either unavailable or do not agree on the potential impact of this missense change (SIFT: "Tolerated"; PolyPhen-2: "Probably Damaging"; Align-GVGD: "Class C0"). In summary, the available evidence is currently insufficient to determine the role of this variant in disease. Therefore, it has been classified as a Variant of Uncertain Significance.

Ambry Genetics
Classification: Uncertain significance for Inborn genetic diseases. Last evaluated: 2022-04-19. Review status: criteria provided, single submitter. Criteria: Ambry Variant Classification Scheme 2023. Collection method: clinical testing. Allele origin: germline.
Comment: The p.K422R variant (also known as c.1265A>G), located in coding exon 9 of the BUB1B gene, results from an A to G substitution at nucleotide position 1265. The lysine at codon 422 is replaced by arginine, an amino acid with highly similar properties. This amino acid position is conserved. In addition, this alteration is predicted to be tolerated by in silico analysis. Since supporting evidence is limited at this time, the clinical significance of this alteration remains unclear.

NM_001211.6(BUB1B):c.1265A>G (p.Lys422Arg)

Gene: BUB1B (BUB1 mitotic checkpoint serine/threonine kinase B; plus strand). Cytogenetic location: 15q15.1.
Variant type: single nucleotide variant.
Coding change: c.1265A>G on transcript NM_001211.6 (MANE Select); coding-DNA position 1265, A replaced by G.
Protein change: p.Lys422Arg; replaces lysine 422 with arginine.
Molecular consequence: missense variant.
Genome position (GRCh38, 1-based): chr15:40,196,751, A>G. VCF-style: chr15-40196751-A-G. GRCh37 (hg19) VCF-style: chr15-40488952-A-G.
Other names: short protein forms K422R.
Identifiers: ClinVar variation 1763977 (VCV001763977.8), dbSNP rs2542550755, ClinGen allele CA391687732.
Genomic context (GRCh38, chr15:40,196,751, plus strand): 5'-AGATTTATGCAGGAGTAGGGGAATTCTCCTTTGAAGAAATTCGGGCTGAAGTTTTCCGGA[A>G]GAAATTAAAAGAGCAAAGGGAAGGTGTGTGTAATTCAAGTTTGTGAAGAGGACTTAACTT-3'
Protein context (NP_001202.5, residues 412-432): FEEIRAEVFR[Lys422Arg]KLKEQREAEL